The following is an entry in ClinVar:

ClinVar aggregate classification (germline): Benign (0 of 4 stars; one submission).

Conditions:
MBD1-related disorder. Also called: MBD1-related condition.

Allele frequency attached by ClinVar (database versions not stated): 1000 Genomes Project 30x 0.17302; ESP Exome Variant Server 0.17653; 1000 Genomes Project 0.17772.
gnomAD v4.1: 322,147 of 1,613,612 alleles (20%); highest among the groups gnomAD compares: South Asian, 21%; 32,536 homozygotes.

Submission:

PreventionGenetics, part of Exact Sciences
Classification: Benign for MBD1-related condition. Last evaluated: 2019-10-21. Review status: no assertion criteria provided. Collection method: clinical testing. Allele origin: germline.
Comment: This variant is classified as benign based on ACMG/AMP sequence variant interpretation guidelines (Richards et al. 2015 PMID: 25741868, with internal and published modifications).

NM_015846.4(MBD1):c.1201C>G (p.Pro401Ala)

Gene: MBD1 (methyl-CpG binding domain protein 1; minus strand). Cytogenetic location: 18q21.1.
Variant type: single nucleotide variant.
Coding change: c.1201C>G on transcript NM_015846.4 (MANE Select); coding-DNA position 1201, C replaced by G.
Protein change: p.Pro401Ala; replaces proline 401 with alanine.
Molecular consequence: missense variant.
Genome position (GRCh38, 1-based): chr18:50,273,809, G>C on the plus strand (C>G on the coding strand, the complement: MBD1 is on the minus strand). VCF-style: chr18-50273809-G-C. GRCh37 (hg19) VCF-style: chr18-47800179-G-C.
Other names: c.1201C>G, p.Pro401Ala (NM_001204136.2, NM_001204139.2, NM_001204142.2 and 21 more transcripts); c.1276C>G, p.Pro426Ala (NM_001204137.2, NM_001323942.2, NM_001323947.2 and 14 more transcripts); c.1273C>G, p.Pro425Ala (NM_001204138.2, NM_001388141.1, NM_001399883.1 and 1 more transcripts); c.1108C>G, p.Pro370Ala (NM_001204140.2, NM_001388139.1, NM_001388142.1 and 7 more transcripts); c.1051C>G, p.Pro351Ala (NM_001204141.2); c.1033C>G, p.Pro345Ala (NM_001204143.2, NM_001388144.1, NM_001388157.1 and 17 more transcripts); c.1132C>G, p.Pro378Ala (NM_001204151.3, NM_001399893.1, NM_001399908.1 and 3 more transcripts); c.769C>G, p.Pro257Ala (NM_001323949.2, NM_001399959.1); and 19 more; short protein forms P153A, P176A, P209A, P232A, P256A, P257A, P273A, P298A.
Identifiers: ClinVar variation 3060114 (VCV003060114.2), dbSNP rs125555, ClinGen allele CA8962881.